The following is an entry in ClinVar:

ClinVar aggregate classification (germline): Likely benign. Review status: criteria provided, multiple submitters, no conflicts (2 of 4 stars). 2 submissions from 2 submitters: Likely benign (2). Last evaluated 2025-05-09.

Conditions:
Tuberous sclerosis 2 (TSC2). Identifiers: Orphanet 805, MedGen C1860707, MONDO:0013199, OMIM 613254.

Allele frequency attached by ClinVar (database versions not stated): gnomAD exomes below 0.00001.
gnomAD v4.1: 2 of 1,550,980 alleles (0.00013%); highest among the groups gnomAD compares: Non-Finnish European, 0.00017%; no homozygotes.

Submissions (2):

Myriad Genetics, Inc.
Classification: Likely benign for Tuberous sclerosis 2. Last evaluated: 2025-05-09. Review status: criteria provided, single submitter. Criteria: Myriad Autosomal Dominant, Autosomal Recessive and X-Linked Classification Criteria (2023). Collection method: clinical testing. Allele origin: unknown.
Comment: This variant is considered likely benign. This variant is intronic and is not expected to impact mRNA splicing.

Labcorp Genetics (formerly Invitae), Labcorp
Classification: Likely benign for Tuberous sclerosis 2. Last evaluated: 2022-08-16. Review status: criteria provided, single submitter. Criteria: Invitae Variant Classification Sherloc (09022015). Collection method: clinical testing. Allele origin: germline.

NM_000548.5(TSC2):c.775-18A>G

Gene: TSC2 (TSC complex subunit 2; plus strand). Cytogenetic location: 16p13.3.
Variant type: single nucleotide variant.
Coding change: c.775-18A>G on transcript NM_000548.5 (MANE Select); 18 bases into the intron before coding-DNA position 775, A replaced by G.
Molecular consequence: intron variant.
Genome position (GRCh38, 1-based): chr16:2,057,087, A>G. VCF-style: chr16-2057087-A-G. GRCh37 (hg19) VCF-style: chr16-2107088-A-G.
Other names: c.775-18A>G (NM_001114382.3, NM_021055.3, NM_001370405.1 and 3 more transcripts); c.664-18A>G (NM_001318827.2); c.175-18A>G (NM_001318831.2); c.628-18A>G (NM_001318829.2); c.808-18A>G (NM_001318832.2).
Identifiers: ClinVar variation 2024245 (VCV002024245.5), dbSNP rs1415572593, ClinGen allele CA620373199.